The following is an entry in ClinVar:

ClinVar aggregate classification (germline): Uncertain significance (1 of 4 stars; one submission).

Conditions:
Hereditary cancer-predisposing syndrome. Also called: Hereditary Cancer Syndrome; Tumor predisposition; Hereditary neoplastic syndrome; Neoplastic Syndromes, Hereditary. Identifiers: Orphanet 140162, MedGen C0027672, MeSH D009386, MONDO:0015356.

gnomAD v4.1: 1 of 1,614,160 alleles (0.000062%); highest among the groups gnomAD compares: Non-Finnish European, 0.000085%; no homozygotes.

Submission:

Ambry Genetics
Classification: Uncertain significance for Hereditary cancer-predisposing syndrome. Last evaluated: 2024-07-11. Review status: criteria provided, single submitter. Criteria: Ambry Variant Classification Scheme 2023. Collection method: clinical testing. Allele origin: germline.
Comment: The p.P245S variant (also known as c.733C>T), located in coding exon 3 of the MEN1 gene, results from a C to T substitution at nucleotide position 733. The proline at codon 245 is replaced by serine, an amino acid with similar properties. This amino acid position is conserved. In addition, this alteration is predicted to be deleterious by in silico analysis. Based on the available evidence, the clinical significance of this variant remains unclear.

NM_001370259.2(MEN1):c.733C>T (p.Pro245Ser)

Gene: MEN1 (menin 1; minus strand). Cytogenetic location: 11q13.1.
Variant type: single nucleotide variant.
Coding change: c.733C>T on transcript NM_001370259.2 (MANE Select); coding-DNA position 733, C replaced by T.
Protein change: p.Pro245Ser; replaces proline 245 with serine.
Molecular consequence: missense variant. On other transcripts: non-coding transcript variant (4).
Genome position (GRCh38, 1-based): chr11:64,807,602, G>A on the plus strand (C>T on the coding strand, the complement: MEN1 is on the minus strand). VCF-style: chr11-64807602-G-A. GRCh37 (hg19) VCF-style: chr11-64575074-G-A.
Other names: c.748C>T, p.Pro250Ser (NM_000244.4, NM_001407145.1, NM_001407150.1 and 5 more transcripts); c.733C>T, p.Pro245Ser (NM_001370251.2, NM_001370260.2, NM_001370261.2 and 7 more transcripts); c.628C>T, p.Pro210Ser (NM_001370262.2, NM_001370263.2, NM_001407148.1 and 2 more transcripts); short protein forms P245S, P210S, P250S.
Identifiers: ClinVar variation 3394946 (VCV003394946.1).